The following is an entry in ClinVar:

ClinVar aggregate classification (germline): Pathogenic. Review status: criteria provided, multiple submitters, no conflicts (2 of 4 stars). 3 submissions from 3 submitters: Pathogenic (3). Last evaluated 2025-09-23.

Conditions:
von Willebrand disease type 3 (VWD3). Also called: Type 3 Von Willebrand's disease; Type 3 VWD; Von Willebrand disease, severe form; V WD3; VON WILLEBRAND DISEASE, TYPE III. Identifiers: Orphanet 166096, MedGen C1264041, MONDO:0010191, OMIM 277480.
von Willebrand disease type 1 (VWD1). Also called: VWD, TYPE 1; VON WILLEBRAND DISEASE, TYPE I. Identifiers: Orphanet 166078, Orphanet 903, MedGen C1264039, MONDO:0008668, OMIM 193400. Inheritance: autosomal recessive or autosomal dominant.

Submissions (3):

Institute of Human Genetics, University of Leipzig Medical Center
Classification: Pathogenic for von Willebrand disease type 3. Last evaluated: 2025-09-23. Review status: criteria provided, single submitter. Criteria: ACMG Guidelines, 2015. Collection method: clinical testing. Allele origin: unknown. Inheritance: Autosomal recessive inheritance. Affected: yes.
Comment: Criteria applied: PM2,PM3,PS4,PVS1

GeneDx
Classification: Pathogenic. Last evaluated: 2024-07-31. Review status: criteria provided, single submitter. Criteria: GeneDx Variant Classification Process June 2021. Collection method: clinical testing. Allele origin: germline. Affected: yes.
Comment: Identified in the apparently homozygous state in a single individual from a cohort of patients with bleeding disorders (PMID: 34272389); Frameshift variant predicted to result in protein truncation or nonsense mediated decay in a gene for which loss of function is a known mechanism of disease; Not observed at significant frequency in large population cohorts (gnomAD); This variant is associated with the following publications: (PMID: 34272389)

Genomic Medicine Center of Excellence, King Faisal Specialist Hospital and Research Centre
Classification: Pathogenic for von Willebrand disease type 1. Last evaluated: 2021-04-28. Review status: criteria provided, single submitter. Criteria: ACMG Guidelines, 2015. Collection method: research. Allele origin: germline.

NM_000552.5(VWF):c.3157dup (p.Gln1053fs)

Gene: VWF (von Willebrand factor; minus strand). Cytogenetic location: 12p13.31.
Variant type: Duplication.
Coding change: c.3157dup on transcript NM_000552.5 (MANE Select); coding-DNA position 3157, one base duplicated (C; older notation c.3157dupC).
Protein change: p.Gln1053fs; shifts the reading frame from glutamine 1053.
Molecular consequence: frameshift variant.
Genome position (GRCh38, 1-based): chr12:6,025,645, G duplicated on the plus strand (C on the coding strand, the reverse complement: VWF is on the minus strand). VCF-style (leftmost placement, unchanged base first): chr12-6025644-T-TG. GRCh37 (hg19) VCF-style: chr12-6134810-T-TG.
Other names: c.3157dup (NM_000552.3); c.3157dupC (NM_000552.3); short protein forms Q1053fs.
Identifiers: ClinVar variation 1098431 (VCV001098431.4), dbSNP rs2136420496, ClinGen allele CA2499221817.